The following is an entry in ClinVar:

ClinVar aggregate classification (germline): Conflicting classifications of pathogenicity. Review status: criteria provided, conflicting classifications (1 of 4 stars). 11 submissions from 11 submitters: Pathogenic (4); Likely pathogenic (3); Uncertain significance (2). 2 of the submissions do not count toward it. Last evaluated 2026-05-18.

Conditions:
Mitochondrial complex 2 deficiency, nuclear type 4. Also called: MITOCHONDRIAL COMPLEX II DEFICIENCY, NUCLEAR TYPE 4. Identifiers: MedGen C5543176, MONDO:0030974, OMIM 619224.
Pheochromocytoma. Also called: MAX-Related Hereditary Paraganglioma-Pheochromocytoma Syndrome. Identifiers: Orphanet 29072, MedGen C0031511, MONDO:0008233, OMIM 171300, HP:0002666.
Pheochromocytoma/paraganglioma syndrome 4. Also called: CAROTID BODY TUMORS AND MULTIPLE EXTRAADRENAL PHEOCHROMOCYTOMAS; SDHB-Related Hereditary Paraganglioma-Pheochromocytoma Syndrome; PARAGANGLIOMA, FAMILIAL MALIGNANT; PARAGANGLIOMAS, HEREDITARY EXTRAADRENAL; PHEOCHROMOCYTOMA, FAMILIAL EXTRAADRENAL; SDHB-Related Hereditary Paraganglioma-Pheochromocytoma Syndrome (Paragangliomas 4). Identifiers: Orphanet 29072, MedGen C1861848, MONDO:0007273, OMIM 115310.
Gastrointestinal stromal tumor. Also called: Gastrointestinal stromal tumor, somatic; Gastrointestinal stroma tumor. Identifiers: Orphanet 44890, MedGen C0238198, MeSH D046152, MONDO:0011719, OMIM 606764, HP:0100723.
Hereditary cancer-predisposing syndrome. Also called: Neoplastic Syndromes, Hereditary; Hereditary neoplastic syndrome; Tumor predisposition; Hereditary Cancer Syndrome. Identifiers: Orphanet 140162, MedGen C0027672, MeSH D009386, MONDO:0015356.
SDHB-related disorder. Also called: SDHB-related condition; SDHB-related disorders. Identifiers: MedGen CN239418.
Hereditary pheochromocytoma and paraganglioma. Also called: Hereditary pheochromocytoma-paraganglioma; Hereditary Paraganglioma-Pheochromocytoma Syndromes; Hereditary paragangliomas and pheochromocytomas. Identifiers: Orphanet 29072, MedGen C4274332, MONDO:0017366.
Mitochondrial complex II deficiency, nuclear type 1. Also called: SUCCINATE CoQ REDUCTASE DEFICIENCY. Identifiers: Orphanet 3208, MedGen C5700310, MONDO:0100294, OMIM 252011.

Allele frequency attached by ClinVar (database versions not stated): gnomAD 0.00001; TOPMed 0.00001; gnomAD exomes 0.00002 and 0.00004; ExAC 0.00005.
gnomAD v4.1: 31 of 1,614,018 alleles (0.0019%); highest among the groups gnomAD compares: South Asian, 0.026%; no homozygotes.

Submissions (11):

Ambry Genetics
Classification: Uncertain significance for Hereditary cancer-predisposing syndrome. Last evaluated: 2026-05-18. Review status: criteria provided, single submitter. Criteria: Ambry Variant Classification Scheme 2023. Collection method: clinical testing. Allele origin: germline.
Comment: The p.D48V variant (also known as c.143A>T), located in coding exon 2 of the SDHB gene, results from an A to T substitution at nucleotide position 143. The aspartic acid at codon 48 is replaced by valine, an amino acid with highly dissimilar properties. This variant has been detected in both the homozygous and compound heterozygous states with a second SDHB variant in multiple individuals with features of mitochondrial complex II deficiency (Alston CL et al. J. Med. Genet., 2012 Sep;49:569-77; Ardissone A et al. Mol Genet Metab Rep, 2015 Dec;5:51-54; Helman G et al. Ann. Neurol., 2016 Mar;79:379-86; Vanderver A et al. Ann Neurol, 2016 06;79:1031-1037; Gr&oslash;nborg S et al. JIMD Rep, 2017 Sep;33:69-77). Functional studies showed reduced SDHB and complex II in tissues and cells from affected individuals (Alston CL et al. J. Med. Genet., 2012 Sep;49:569-77; Ardissone A et al. Mol Genet Metab Rep, 2015 Dec;5:51-54; Gr&oslash;nborg S et al. JIMD Rep, 2017 Sep;33:69-77). To our knowledge, this variant has not been detected in individuals with a paraganglioma or pheochromocytoma. In addition, functional studies suggest that this variant retains WT-like succinate/fumarate ratios and near-normal SDH activity; however, the physiological relevance of this finding is unclear (Lee S et al. J Clin Invest, 2026 Feb;136:). This amino acid position is highly conserved in available vertebrate species. In addition, this alteration is predicted to be deleterious by in silico analysis. Based on the supporting evidence, this variant is expected to be causative of autosomal recessive mitochondrial complex II deficiency when present along with a second likely pathogenic/pathogenic variant on the other allele; however, its clinical significance for autosomal dominant paraganglioma-pheochromocytoma syndrome is unclear.

Labcorp Genetics (formerly Invitae), Labcorp
Classification: Pathogenic for Gastrointestinal stromal tumor; Pheochromocytoma/paraganglioma syndrome 4; Pheochromocytoma. Last evaluated: 2026-02-03. Review status: criteria provided, single submitter. Criteria: Invitae Variant Classification Sherloc (09022015). Collection method: clinical testing. Allele origin: germline.
Comment: This sequence change replaces aspartic acid, which is acidic and polar, with valine, which is neutral and non-polar, at codon 48 of the SDHB protein (p.Asp48Val). This variant is present in population databases (rs202101384, gnomAD 0.03%). This missense change has been observed in individual(s) with autosomal recessive mitochondrial complex II deficiency (PMID: 22972948, 26642834, 26925370, 27604842). In at least one individual the data is consistent with being in trans (on the opposite chromosome) from a pathogenic variant. ClinVar contains an entry for this variant (Variation ID: 39584). Invitae Evidence Modeling of protein sequence and biophysical properties (such as structural, functional, and spatial information, amino acid conservation, physicochemical variation, residue mobility, and thermodynamic stability) indicates that this missense variant is not expected to disrupt SDHB protein function with a negative predictive value of 80%. Experimental studies have shown that this missense change affects SDHB function (PMID: 22972948). For these reasons, this variant has been classified as Pathogenic.

Center for Genomic Medicine, Rigshospitalet, Copenhagen University Hospital
Classification: Likely pathogenic. Last evaluated: 2025-03-04. Review status: criteria provided, single submitter. Criteria: ACMG Guidelines, 2015. Collection method: clinical testing. Allele origin: germline.

Department of Clinical Genetics, Copenhagen University Hospital, Rigshospitalet
Classification: Pathogenic for Mitochondrial complex 2 deficiency, nuclear type 4. Last evaluated: 2025-01-24. Review status: criteria provided, single submitter. Criteria: ACMG Guidelines, 2015. Collection method: clinical testing. Allele origin: germline.

Blueprint Genetics
Classification: Likely pathogenic for SDHB-related disorders. Last evaluated: 2024-07-10. Review status: criteria provided, single submitter. Criteria: ACMG Guidelines, 2015. Collection method: clinical testing. Allele origin: germline. Affected: yes. Observed: 5 variant alleles.

Color Diagnostics, LLC DBA Color Health
Classification: Uncertain significance for Hereditary pheochromocytoma and paraganglioma. Last evaluated: 2024-02-12. Review status: criteria provided, single submitter. Criteria: ACMG Guidelines, 2015. Collection method: clinical testing. Allele origin: germline.
Comment: This missense variant replaces aspartic acid with valine at codon 48 of the SDHB protein. Computational prediction suggests that this variant may have deleterious impact on protein structure and function. This variant showed a partial decrease in SDH and complex II activity in yeast complementation assay (PMID: 23174333) and reduced SDHB levels in immunoblot analyses of patient lymphocytes (PMID: 26925370). This variant has not been reported in individuals affected with paraganglioma or pheochromocytoma in the literature and parents of children with this variant and mitochondrial complex II deficiency reported no history of paraganlioma or pheochromocytoma (PMID: 26925370, 27604842). However this variant is an established as pathogenic for autosomal recessive leukodystrophy, leukoencephalopathy, and mitochondrial complex II deficiency (PMID: 22972948, 23174333, 26925370, 26642834, 26968897, 27159321, 27604842). This variant has been identified in 11/251382 chromosomes in the general population by the Genome Aggregation Database (gnomAD). The available evidence is insufficient to conclusively determine the role of this variant in autosomal dominant paraganlioma or pheochromocytoma. Therefore, this variant is classified as a Variant of Uncertain Significance.

Baylor Genetics
Classification: Pathogenic for Gastrointestinal stromal tumor. Last evaluated: 2023-11-04. Review status: criteria provided, single submitter. Criteria: ACMG Guidelines, 2015. Collection method: clinical testing. Allele origin: unknown.

KCCC/NGS Laboratory, Kuwait Cancer Control Center
Classification: Likely pathogenic for Pheochromocytoma/paraganglioma syndrome 4. Last evaluated: 2023-07-07. Review status: criteria provided, single submitter. Criteria: ACMG Guidelines, 2015. Collection method: clinical testing. Allele origin: unknown. Affected: yes.
Comment: This sequence change replaces aspartic acid with valine at codon 48 of the SDHB protein (p.Asp48Val). The aspartic acid residue is moderately conserved and there is a large physicochemical difference between aspartic acid and valine. This variant is present in population databases (rs202101384, ExAC 0.04%). This variant has been observed as homozygous or in combination with other SDHB variant in individuals affected with autosomal recessive mitochondrial complex II deficiency (PMID: 22972948, 27556822, 29282712, 26642834, 27159321, 26968897, 27604842, 23174333, 29019354, 34426522, 31589614, 33726816, 26925370). However, this variant has not been observed in individuals with pheochromocytoma (PCC) or paraganglioma (PGL). ClinVar contains an entry for this variant (Variation ID: 39584). In silico analysis supports that this missense variant has a deleterious effect on protein structure/function also an experimental study shown the affected protein function . In summary, this variant has been observed in individuals with mitochondrial complex II deficiency and has been shown to affect protein function. The currently available evidence indicates that the variant is pathogenic, Therefore, this variant has been classified as Likely Pathogenic.

GeneDx
Classification: Pathogenic. Last evaluated: 2022-02-03. Review status: criteria provided, single submitter. Criteria: GeneDx Variant Classification Process June 2021. Collection method: clinical testing. Allele origin: germline. Affected: yes.
Comment: In silico analysis supports that this missense variant has a deleterious effect on protein structure/function; This variant has only been reported/observed in association with autosomal recessive complex II deficiency and has not, to our knowledge, been associated with autosomal dominant hereditary paraganglioma/pheochromocytoma syndrome; This variant is associated with the following publications: (PMID: 22972948, 27556822, 29282712, 26642834, 27159321, 26968897, 27604842, 23174333, 29019354, 34426522, 31589614, 33726816, 26925370)

OMIM
Classification: Pathogenic for MITOCHONDRIAL COMPLEX II DEFICIENCY, NUCLEAR TYPE 4. Last evaluated: 2012-09-01. Review status: no assertion criteria provided. Collection method: literature only. Allele origin: germline. Not counted in ClinVar's aggregate classification.

Myelin Disorders Clinic-Children's Medical Center/Medical Genetics Lab-Tarbiat Modares University, Children's Medical Center, Pediatrics Center of Excellence,
Classification: Uncertain significance for Mitochondrial complex II deficiency, nuclear type 1. Review status: no assertion criteria provided. Collection method: clinical testing. Allele origin: de novo. Inheritance: Autosomal recessive inheritance. Affected: yes. Not counted in ClinVar's aggregate classification.

Literature cited by the submitters: PubMed 22972948 (cited by 5 submitters); PubMed 26642834 (cited by 4 submitters); PubMed 26925370 (cited by 4 submitters); PubMed 27159321 (cited by Ambry Genetics and Color Diagnostics, LLC DBA Color Health); PubMed 27604842 (cited by 5 submitters); PubMed 34052969 (cited by Ambry Genetics); PubMed 41252211 (cited by Ambry Genetics); PubMed 23174333 (cited by Color Diagnostics, LLC DBA Color Health); PubMed 26968897 (cited by Color Diagnostics, LLC DBA Color Health); PubMed 17634472 (cited by OMIM).

NM_003000.3(SDHB):c.143A>T (p.Asp48Val)

Gene: SDHB (succinate dehydrogenase complex iron sulfur subunit B; minus strand). Cytogenetic location: 1p36.13.
Variant type: single nucleotide variant.
Coding change: c.143A>T on transcript NM_003000.3 (MANE Select); coding-DNA position 143, A replaced by T.
Protein change: p.Asp48Val; replaces aspartic acid 48 with valine.
Molecular consequence: missense variant.
Genome position (GRCh38, 1-based): chr1:17,044,818, T>A on the plus strand (A>T on the coding strand, the complement: SDHB is on the minus strand). VCF-style: chr1-17044818-T-A. GRCh37 (hg19) VCF-style: chr1-17371313-T-A.
Other names: short protein forms D48V.
Identifiers: ClinVar variation 39584 (VCV000039584.49), dbSNP rs202101384, ClinGen allele CA015528.